The following is an entry in ClinVar:

NM_015340.4(LARS2):c.-88+6C>A

Gene: LARS2 (leucyl-tRNA synthetase 2, mitochondrial; plus strand). Cytogenetic location: 3p21.31.
Variant type: single nucleotide variant.
Coding change: c.-88+6C>A on transcript NM_015340.4 (MANE Select); 6 bases into the intron after 88 bases upstream of the start codon, C replaced by A.
Molecular consequence: intron variant.
Genome position (GRCh38, 1-based): chr3:45,388,686, C>A. VCF-style: chr3-45388686-C-A. GRCh37 (hg19) VCF-style: chr3-45430178-C-A.
Other names: c.-22+6C>A (NM_001368263.1).
Identifiers: ClinVar variation 512989 (VCV000512989.1), dbSNP rs767039300, ClinGen allele CA658796298.
Genomic context (GRCh38, chr3:45,388,686, plus strand): 5'-GCCTAAAGGTGGAGAACGAGGAGTAGAGGAGCCGCAGGCCAGAGCCTGTGAGCAGGTAAA[C>A]CCCCGGACCGGGCGCAGCGAGATGAGAGACGAGGCCCAGTCTCCTCTTCCTCCGGCTCGG-3'

ClinVar aggregate classification (germline): Likely benign (1 of 4 stars; one submission).

Allele frequency attached by ClinVar (database versions not stated): gnomAD 0.00001; TOPMed 0.00001.

Submission:

GeneDx
Classification: Likely benign. Last evaluated: 2017-11-03. Review status: criteria provided, single submitter. Criteria: GeneDx Variant Classification (06012015). Collection method: clinical testing. Allele origin: germline. Affected: yes.
Comment: This variant is considered likely benign or benign based on one or more of the following criteria: it is a conservative change, it occurs at a poorly conserved position in the protein, it is predicted to be benign by multiple in silico algorithms, and/or has population frequency not consistent with disease.